The following is an entry in ClinVar:

NM_003660.4(PPFIA3):c.3197G>A (p.Gly1066Glu)

Gene: PPFIA3 (PTPRF interacting protein alpha 3; plus strand). Cytogenetic location: 19q13.33.
Variant type: single nucleotide variant.
Coding change: c.3197G>A on transcript NM_003660.4 (MANE Select); coding-DNA position 3197, G replaced by A.
Protein change: p.Gly1066Glu; replaces glycine 1066 with glutamic acid.
Molecular consequence: missense variant. On other transcripts: non-coding transcript variant (1).
Genome position (GRCh38, 1-based): chr19:49,149,080, G>A. VCF-style: chr19-49149080-G-A. GRCh37 (hg19) VCF-style: chr19-49652337-G-A.
Other names: short protein forms G1066E.
Identifiers: ClinVar variation 3774049 (VCV003774049.1).

ClinVar aggregate classification (germline): Uncertain significance (1 of 4 stars; one submission).

Submission:

GeneDx
Classification: Uncertain significance. Last evaluated: 2024-09-12. Review status: criteria provided, single submitter. Criteria: GeneDx Variant Classification Process June 2021. Collection method: clinical testing. Allele origin: germline. Affected: yes.
Comment: Not observed at significant frequency in large population cohorts (gnomAD); In silico analysis supports that this missense variant has a deleterious effect on protein structure/function; Has not been previously published as pathogenic or benign to our knowledge